The following is an entry in ClinVar:

NM_001365951.3(KIF1B):c.2254C>T (p.Arg752Trp)

Gene: KIF1B (kinesin family member 1B; plus strand). Cytogenetic location: 1p36.22.
Variant type: single nucleotide variant.
Coding change: c.2254C>T on transcript NM_001365951.3 (MANE Select); coding-DNA position 2254, C replaced by T.
Protein change: p.Arg752Trp; replaces arginine 752 with tryptophan.
Molecular consequence: missense variant.
Genome position (GRCh38, 1-based): chr1:10,321,753, C>T. VCF-style: chr1-10321753-C-T. GRCh37 (hg19) VCF-style: chr1-10381811-C-T.
Other names: c.2254C>T, p.Arg752Trp (NM_001365952.1); c.2116C>T, p.Arg706Trp (NM_015074.3); short protein forms R706W, R752W.
Identifiers: ClinVar variation 1411949 (VCV001411949.9), dbSNP rs368066001, ClinGen allele CA581490.

ClinVar aggregate classification (germline): Uncertain significance. Review status: criteria provided, multiple submitters, no conflicts (2 of 4 stars). 2 submissions from 2 submitters: Uncertain significance (2). Last evaluated 2025-08-11.

Conditions:
Charcot-Marie-Tooth disease type 2. Also called: Charcot-Marie-Tooth type 2. Identifiers: Orphanet 64746, MedGen C0270914, MONDO:0018993.

Allele frequency attached by ClinVar (database versions not stated): gnomAD 0.00001; ESP Exome Variant Server 0.00008; TOPMed 0.00002.
gnomAD v4.1: 27 of 1,613,980 alleles (0.0017%); highest among the groups gnomAD compares: South Asian, 0.0033%; no homozygotes.

Submissions (2):

Ambry Genetics
Classification: Uncertain significance. Last evaluated: 2025-08-11. Review status: criteria provided, single submitter. Criteria: Ambry Variant Classification Scheme 2023. Collection method: clinical testing. Allele origin: germline.
Comment: The p.R706W variant (also known as c.2116C>T), located in coding exon 21 of the KIF1B gene, results from a C to T substitution at nucleotide position 2116. The arginine at codon 706 is replaced by tryptophan, an amino acid with dissimilar properties. This amino acid position is highly conserved in available vertebrate species. In addition, the in silico prediction for this alteration is inconclusive. The evidence for this gene-disease relationship is limited; therefore, the clinical significance of this alteration is unclear.

Labcorp Genetics (formerly Invitae), Labcorp
Classification: Uncertain significance for Charcot-Marie-Tooth disease type 2. Last evaluated: 2025-03-27. Review status: criteria provided, single submitter. Criteria: Invitae Variant Classification Sherloc (09022015). Collection method: clinical testing. Allele origin: germline.
Comment: This sequence change replaces arginine, which is basic and polar, with tryptophan, which is neutral and slightly polar, at codon 706 of the KIF1B protein (p.Arg706Trp). This variant is present in population databases (rs368066001, gnomAD 0.005%). This variant has not been reported in the literature in individuals affected with KIF1B-related conditions. ClinVar contains an entry for this variant (Variation ID: 1411949). Invitae Evidence Modeling of protein sequence and biophysical properties (such as structural, functional, and spatial information, amino acid conservation, physicochemical variation, residue mobility, and thermodynamic stability) indicates that this missense variant is not expected to disrupt KIF1B protein function with a negative predictive value of 80%. In summary, the available evidence is currently insufficient to determine the role of this variant in disease. Therefore, it has been classified as a Variant of Uncertain Significance.